The following is an entry in ClinVar:

ClinVar aggregate classification (germline): Uncertain significance. Review status: criteria provided, multiple submitters, no conflicts (2 of 4 stars). 2 submissions from 2 submitters: Uncertain significance (2). Last evaluated 2026-01-26.

Allele frequency attached by ClinVar (database versions not stated): 1000 Genomes Project 0.00040; 1000 Genomes Project 30x 0.00047; ExAC 0.00127.
gnomAD v4.1: 642 of 1,535,684 alleles (0.042%); highest among the groups gnomAD compares: Middle Eastern, 0.39%; 1 homozygote.

Submissions (2):

Labcorp Genetics (formerly Invitae), Labcorp
Classification: Uncertain significance. Last evaluated: 2026-01-26. Review status: criteria provided, single submitter. Criteria: Invitae Variant Classification Sherloc (09022015). Collection method: clinical testing. Allele origin: germline.
Comment: This sequence change replaces proline, which is neutral and non-polar, with glutamine, which is neutral and polar, at codon 2040 of the DSCAML1 protein (p.Pro2040Gln). The frequency data for this variant in the population databases is considered unreliable, as metrics indicate poor data quality at this position in the gnomAD database. This variant has not been reported in the literature in individuals affected with DSCAML1-related conditions. ClinVar contains an entry for this variant (Variation ID: 1524372). An algorithm developed to predict the effect of missense changes on protein structure and function (PolyPhen-2) suggests that this variant is likely to be tolerated. In summary, the available evidence is currently insufficient to determine the role of this variant in disease. Therefore, it has been classified as a Variant of Uncertain Significance.

Breakthrough Genomics
Classification: Uncertain significance. Review status: criteria provided, single submitter. Criteria: ACMG Guidelines, 2015. Collection method: not provided. Allele origin: germline. Inheritance: Unknown mechanism. Affected: yes.

NM_020693.4(DSCAML1):c.5939C>A (p.Pro1980Gln)

Gene: DSCAML1 (DS cell adhesion molecule like 1; minus strand). Cytogenetic location: 11q23.3.
Variant type: single nucleotide variant.
Coding change: c.5939C>A on transcript NM_020693.4 (MANE Select); coding-DNA position 5939, C replaced by A.
Protein change: p.Pro1980Gln; replaces proline 1980 with glutamine.
Molecular consequence: missense variant.
Genome position (GRCh38, 1-based): chr11:117,428,551, G>T on the plus strand (C>A on the coding strand, the complement: DSCAML1 is on the minus strand). VCF-style: chr11-117428551-G-T. GRCh37 (hg19) VCF-style: chr11-117299267-G-T.
Other names: short protein forms P1980Q.
Identifiers: ClinVar variation 1524372 (VCV001524372.7), dbSNP rs549967851, ClinGen allele CA6295920.